The following is an entry in ClinVar:

NC_000015.10:g.84816983_84816988del

Gene: ALPK3 (alpha kinase 3; plus strand). Cytogenetic location: 15q25.3.
Variant type: Deletion.
Genome position: GRCh38 VCF-style: chr15-84816982-CCAGCGG-C. GRCh37 (hg19) VCF-style: chr15-85360213-CCAGCGG-C.
Identifiers: ClinVar variation 1982683 (VCV001982683.4), dbSNP rs1166502314, ClinGen allele CA619855175.

ClinVar aggregate classification (germline): Uncertain significance (1 of 4 stars; one submission).

Allele frequency attached by ClinVar (database versions not stated): gnomAD exomes below 0.00001; gnomAD 0.00001; TOPMed 0.00001.

Submission:

Labcorp Genetics (formerly Invitae), Labcorp
Classification: Uncertain significance. Last evaluated: 2024-09-02. Review status: criteria provided, single submitter. Criteria: Invitae Variant Classification Sherloc (09022015). Collection method: clinical testing. Allele origin: germline.
Comment: This variant, c.137_142del, is a complex sequence change that results in the deletion of 3 and insertion of 1 amino acid(s) in the ALPK3 protein (p.Pro46_Val48delinsLeu). This variant is present in population databases (no rsID available, gnomAD 0.003%). This variant has not been reported in the literature in individuals affected with ALPK3-related conditions. ClinVar contains an entry for this variant (Variation ID: 1982683). Experimental studies and prediction algorithms are not available or were not evaluated, and the functional significance of this variant is currently unknown. In summary, the available evidence is currently insufficient to determine the role of this variant in disease. Therefore, it has been classified as a Variant of Uncertain Significance.